The following is an entry in ClinVar:

NM_015662.3(IFT172):c.3041A>T (p.Asp1014Val)

Gene: IFT172 (intraflagellar transport 172; minus strand). Cytogenetic location: 2p23.3.
Variant type: single nucleotide variant.
Coding change: c.3041A>T on transcript NM_015662.3 (MANE Select); coding-DNA position 3041, A replaced by T.
Protein change: p.Asp1014Val; replaces aspartic acid 1014 with valine.
Molecular consequence: missense variant.
Genome position (GRCh38, 1-based): chr2:27,457,911, T>A on the plus strand (A>T on the coding strand, the complement: IFT172 is on the minus strand). VCF-style: chr2-27457911-T-A. GRCh37 (hg19) VCF-style: chr2-27680778-T-A.
Other names: c.3041A>T (NM_015662.2); short protein forms D1014V.
Identifiers: ClinVar variation 1606851 (VCV001606851.10), dbSNP rs200961120, ClinGen allele CA1580097.
Genomic context (GRCh38, chr2:27,457,911, plus strand): 5'-TGTAGGTGTGTATCACTGAGGAGATCTGGATGGTGCTTCCCTACCAGGCGGATCATGTCA[T>A]CATACAACTTGTGCTTTTTGTACATGGTGATGGCAAGATCAGGCTCTTGTACTGTCACAT-3'
Protein context (NP_056477.1, residues 1004-1024): ITMYKKHKLY[Asp1014Val]DMIRLVGKHH

ClinVar aggregate classification (germline): Conflicting classifications of pathogenicity. Review status: criteria provided, conflicting classifications (1 of 4 stars). 3 submissions from 3 submitters: Uncertain significance (1); Likely benign (1). 1 of the submissions does not count toward it. Last evaluated 2025-06-24.

Conditions:
IFT172-related disorder. Also called: IFT172-related disorders; IFT172-related condition.
Short-rib thoracic dysplasia 10 with or without polydactyly (SRTD10). Identifiers: Orphanet 474, MedGen C3810175, MONDO:0014284, OMIM 615630.
Retinitis pigmentosa 71 (RP71). Identifiers: Orphanet 791, MedGen C4225342, MONDO:0014618, OMIM 616394.

Allele frequency attached by ClinVar (database versions not stated): gnomAD 0.00013 and 0.00014; gnomAD exomes 0.00013 and 0.00037; ExAC 0.00032.
gnomAD v4.1: 210 of 1,614,076 alleles (0.013%); highest among the groups gnomAD compares: Non-Finnish European, 0.0034%; no homozygotes.

Submissions (3):

Labcorp Genetics (formerly Invitae), Labcorp
Classification: Likely benign for Retinitis pigmentosa 71; Short-rib thoracic dysplasia 10 with or without polydactyly. Last evaluated: 2025-06-24. Review status: criteria provided, single submitter. Criteria: Invitae Variant Classification Sherloc (09022015). Collection method: clinical testing. Allele origin: germline.

Blueprint Genetics
Classification: Uncertain significance. Last evaluated: 2024-11-14. Review status: criteria provided, single submitter. Criteria: ACMG Guidelines, 2015. Collection method: clinical testing. Allele origin: germline.

PreventionGenetics, part of Exact Sciences
Classification: Likely benign for IFT172-related condition. Last evaluated: 2019-10-17. Review status: no assertion criteria provided. Collection method: clinical testing. Allele origin: germline. Not counted in ClinVar's aggregate classification.
Comment: This variant is classified as likely benign based on ACMG/AMP sequence variant interpretation guidelines (Richards et al. 2015 PMID: 25741868, with internal and published modifications).